The following is an entry in ClinVar:

NM_015335.5(MED13L):c.2795T>C (p.Phe932Ser)

Gene: MED13L (mediator complex subunit 13L; minus strand). Cytogenetic location: 12q24.21.
Variant type: single nucleotide variant.
Coding change: c.2795T>C on transcript NM_015335.5 (MANE Select); coding-DNA position 2795, T replaced by C.
Protein change: p.Phe932Ser; replaces phenylalanine 932 with serine.
Molecular consequence: missense variant.
Genome position (GRCh38, 1-based): chr12:115,996,677, A>G on the plus strand (T>C on the coding strand, the complement: MED13L is on the minus strand). VCF-style: chr12-115996677-A-G. GRCh37 (hg19) VCF-style: chr12-116434482-A-G.
Other names: short protein forms F932S.
Identifiers: ClinVar variation 5008316 (VCV005008316.1).
Genomic context (GRCh38, chr12:115,996,677, plus strand): 5'-GGAGCAAACATGGAGGATCCCACAAAAGGTTGAAAGGATGGAACTTTGTGCACATATGAA[A>G]AGTCCTGTGACAACAAAGTGGGGTCAGTGTTAATATTGGTAAACTCTGTAGAACACACCA-3'
Protein context (NP_056150.1, residues 922-942): GSPKPEEIKD[Phe932Ser]SYVHKVPSFQ

ClinVar aggregate classification (germline): Uncertain significance (1 of 4 stars; one submission).

Submission:

GeneDx
Classification: Uncertain significance. Last evaluated: 2026-03-01. Review status: criteria provided, single submitter. Criteria: GeneDx Variant Classification Process June 2021. Collection method: clinical testing. Allele origin: germline.
Comment: Not observed at significant frequency in large population cohorts (gnomAD); In silico analysis supports that this missense variant has a deleterious effect on protein structure/function; Has not been previously published as pathogenic or benign to our knowledge